The following is an entry in ClinVar:

NM_001868.4(CPA1):c.905T>C (p.Phe302Ser)

Gene: CPA1 (carboxypeptidase A1; plus strand). Cytogenetic location: 7q32.2.
Variant type: single nucleotide variant.
Coding change: c.905T>C on transcript NM_001868.4 (MANE Select); coding-DNA position 905, T replaced by C.
Protein change: p.Phe302Ser; replaces phenylalanine 302 with serine.
Molecular consequence: missense variant.
Genome position (GRCh38, 1-based): chr7:130,385,263, T>C. VCF-style: chr7-130385263-T-C. GRCh37 (hg19) VCF-style: chr7-130025104-T-C.
Other names: short protein forms F302S.
Identifiers: ClinVar variation 2448262 (VCV002448262.2), dbSNP rs2536012245, ClinGen allele CA369283681.

ClinVar aggregate classification (germline): Uncertain significance (1 of 4 stars; one submission).

Conditions:
Hereditary pancreatitis (PCTT). Also called: Hereditary chronic pancreatitis; PRSS1-Related Hereditary Pancreatitis. Identifiers: Orphanet 676, MedGen C0238339, MONDO:0008185, OMIM 167800.

Submission:

Ambry Genetics
Classification: Uncertain significance for Hereditary pancreatitis. Last evaluated: 2022-12-22. Review status: criteria provided, single submitter. Criteria: Ambry Variant Classification Scheme 2023. Collection method: clinical testing. Allele origin: germline.
Comment: The p.F302S variant (also known as c.905T>C), located in coding exon 8 of the CPA1 gene, results from a T to C substitution at nucleotide position 905. The phenylalanine at codon 302 is replaced by serine, an amino acid with highly dissimilar properties. This amino acid position is conserved. In addition, this alteration is predicted to be deleterious by in silico analysis. Since supporting evidence is limited at this time, the clinical significance of this alteration remains unclear.